The following is an entry in ClinVar:

ClinVar aggregate classification (germline): Uncertain significance (1 of 4 stars; one submission).

Submission:

Labcorp Genetics (formerly Invitae), Labcorp
Classification: Uncertain significance. Last evaluated: 2021-02-01. Review status: criteria provided, single submitter. Criteria: Invitae Variant Classification Sherloc (09022015). Collection method: clinical testing. Allele origin: germline.
Comment: Algorithms developed to predict the effect of missense changes on protein structure and function are either unavailable or do not agree on the potential impact of this missense change (SIFT: "Tolerated"; PolyPhen-2: "Probably Damaging"; Align-GVGD: "Class C0"). This variant has not been reported in the literature in individuals with HMX1-related conditions. The frequency data for this variant in the population databases is considered unreliable, as metrics indicate insufficient coverage at this position in the ExAC database. This sequence change replaces tyrosine with phenylalanine at codon 286 of the HMX1 protein (p.Tyr286Phe). The tyrosine residue is moderately conserved and there is a small physicochemical difference between tyrosine and phenylalanine. In summary, the available evidence is currently insufficient to determine the role of this variant in disease. Therefore, it has been classified as a Variant of Uncertain Significance.

NM_018942.3(HMX1):c.857A>T (p.Tyr286Phe)

Gene: HMX1 (H6 family homeobox 1; minus strand). Cytogenetic location: 4p16.1.
Variant type: single nucleotide variant.
Coding change: c.857A>T on transcript NM_018942.3 (MANE Select); coding-DNA position 857, A replaced by T.
Protein change: p.Tyr286Phe; replaces tyrosine 286 with phenylalanine.
Molecular consequence: missense variant. On other transcripts: intron variant (1).
Genome position (GRCh38, 1-based): chr4:8,867,883, T>A on the plus strand (A>T on the coding strand, the complement: HMX1 is on the minus strand). VCF-style: chr4-8867883-T-A. GRCh37 (hg19) VCF-style: chr4-8869609-T-A.
Other names: c.394+3338A>T (NM_001306142.2); short protein forms Y286F.
Identifiers: ClinVar variation 1362901 (VCV001362901.8), dbSNP rs1372212915, ClinGen allele CA356277650.